The following is an entry in ClinVar:

NM_000478.6(ALPL):c.1328C>T (p.Ala443Val)

Gene: ALPL (alkaline phosphatase, biomineralization associated; plus strand). Cytogenetic location: 1p36.12.
Variant type: single nucleotide variant.
Coding change: c.1328C>T on transcript NM_000478.6 (MANE Select); coding-DNA position 1328, C replaced by T.
Protein change: p.Ala443Val; replaces alanine 443 with valine.
Molecular consequence: missense variant.
Genome position (GRCh38, 1-based): chr1:21,577,401, C>T. VCF-style: chr1-21577401-C-T. GRCh37 (hg19) VCF-style: chr1-21903894-C-T.
Other names: c.1163C>T, p.Ala388Val (NM_001127501.4); c.1097C>T, p.Ala366Val (NM_001177520.3); c.1328C>T, p.Ala443Val (NM_001369803.2, NM_001369804.2, NM_001369805.2); short protein forms A366V, A388V, A443V.
Identifiers: ClinVar variation 1030812 (VCV001030812.21), dbSNP rs768053120, ClinGen allele CA338881972.

ClinVar aggregate classification (germline): Pathogenic/Likely pathogenic. Review status: criteria provided, multiple submitters, no conflicts (2 of 4 stars). 13 submissions from 12 submitters: Pathogenic (9); Likely pathogenic (4). Last evaluated 2026-02-17.

Conditions:
Childhood hypophosphatasia. Identifiers: Orphanet 247667, Orphanet 436, MedGen C0220743, MONDO:1010168, OMIM 241510, MONDO:0009428.
Infantile hypophosphatasia. Identifiers: Orphanet 247651, Orphanet 436, MedGen C0268412, MONDO:1010169, OMIM 241500, MONDO:0009427.
Adult hypophosphatasia. Identifiers: Orphanet 247676, Orphanet 436, MedGen C0268413, MONDO:1010154, OMIM 146300, MONDO:0007798.
Hypophosphatasia. Also called: Phosphoethanol-aminuria. Identifiers: Orphanet 436, MedGen C0020630, MeSH D007014, MONDO:0018570.
ALPL-related disorder. Also called: ALPL-related condition; ALPL-related disorders.
Hypophosphataemia or rickets.

Allele frequency attached by ClinVar (database versions not stated): TOPMed 0.00001.
gnomAD v4.1: 16 of 1,613,312 alleles (0.00099%); highest among the groups gnomAD compares: Non-Finnish European, 0.0014%; no homozygotes.

Submissions 1 to 10 of 13:

Otogenetics
Classification: Pathogenic for Infantile hypophosphatasia; Adult hypophosphatasia; Childhood hypophosphatasia; Hypophosphatasia. Last evaluated: 2026-02-17. Review status: criteria provided, single submitter. Criteria: ACMG Guidelines, 2015. Collection method: clinical testing. Allele origin: germline.

Labcorp Genetics (formerly Invitae), Labcorp
Classification: Pathogenic. Last evaluated: 2025-12-30. Review status: criteria provided, single submitter. Criteria: Invitae Variant Classification Sherloc (09022015). Collection method: clinical testing. Allele origin: germline.
Comment: This sequence change replaces alanine, which is neutral and non-polar, with valine, which is neutral and non-polar, at codon 443 of the ALPL protein (p.Ala443Val). This variant is present in population databases (no rsID available, gnomAD 0.0009%). This missense change has been observed in individual(s) with ALPL-related conditions (PMID: 19500388, 25731960, 28401263, 31088113). This variant is also known as A426V. ClinVar contains an entry for this variant (Variation ID: 1030812). Invitae Evidence Modeling of protein sequence and biophysical properties (such as structural, functional, and spatial information, amino acid conservation, physicochemical variation, residue mobility, and thermodynamic stability) indicates that this missense variant is expected to disrupt ALPL protein function with a positive predictive value of 95%. Experimental studies have shown that this missense change affects ALPL function (PMID: 19500388). For these reasons, this variant has been classified as Pathogenic.

PreventionGenetics, part of Exact Sciences
Classification: Pathogenic for ALPL-related condition. Last evaluated: 2025-12-05. Review status: criteria provided, single submitter. Criteria: ACMG Guidelines, 2015. Collection method: clinical testing. Allele origin: germline.
Comment: The ALPL c.1328C>T variant is predicted to result in the amino acid substitution p.Ala443Val. This variant has been reported in the heterozygous state in patients with hypophosphatasia (Fauvert et al. 2009. PubMed ID: 19500388; Taillandier et al. 2017. PubMed ID: 29236161; Zouwail et al. 2019. PubMed ID: 31088113; Table S1, Del Angel et al 2020. PubMed ID: 32160374), and was functionally shown via in vitro assays to confer <10% ALPL enzyme activity (Fauvert et al. 2009. PubMed ID: 19500388; Table S1, Del Angel et al. 2020. PubMed ID: 32160374). This variant is reported in 0.00091% of alleles in individuals of European (Non-Finnish) descent in gnomAD. This variant is interpreted as pathogenic.

Genomenon, Inc
Classification: Pathogenic for Hypophosphatasia. Last evaluated: 2025-08-29. Review status: criteria provided, single submitter. Criteria: Genomenon Sequence Variant Interpretation Standards. Collection method: curation. Allele origin: germline. Affected: yes.
Comment: ALPL c.1328C>T is a missense variant that changes the amino acid at residue 443 from Alanine to Valine. This variant has been observed in at least one proband affected with hypophosphatasia (PMID:25731960;32973344;29236161;33814268;19500388;28580391;26432670;31088113;30249491). At least one functional study has demonstrated a substantial alteration in protein function relative to the wild-type (PMID:19500388;32160374). It is absent or not present at a significant frequency in gnomAD. In silico models agree that this variant is possibly or probably damaging. In conclusion, we classify ALPL p.Ala443Val (c.1328C>T) as a pathogenic variant.

Blueprint Genetics
Classification: Pathogenic for ALPL-related disorders. Last evaluated: 2024-10-07. Review status: criteria provided, single submitter. Criteria: ACMG Guidelines, 2015. Collection method: clinical testing. Allele origin: germline. Affected: yes. Observed: 2 variant alleles.

Fulgent Genetics
Classification: Likely pathogenic for Adult hypophosphatasia; Infantile hypophosphatasia; Childhood hypophosphatasia. Last evaluated: 2024-06-03. Review status: criteria provided, single submitter. Criteria: ACMG Guidelines, 2015. Collection method: clinical testing. Allele origin: germline.

Cambridge Genomics Laboratory, East Genomic Laboratory Hub, NHS Genomic Medicine Service
Classification: Pathogenic for Hypophosphataemia or rickets. Last evaluated: 2024-02-28. Review status: criteria provided, single submitter. Criteria: ACGS Best Practice Guidelines for Variant Classification in Rare Disease 2020. Collection method: clinical testing. Allele origin: germline. Affected: yes.
Comment: The missense variant NM_000478.6(ALPL):c.1328C>T (p.Ala443Val) causes a change at the same amino acid residue as a previously established pathogenic variant. (PM5_Strong - Strong) | The p.Ala443Val variant is observed in 1/109.704 (0.0009%) alleles from individuals of gnomAD Non Finnish European background in gnomAD All. The p.Ala443Val variant is novel (not in any individuals) in 1kG All. The p.Ala443Val variant is novel (not in any individuals) in gnomAD Genomes v3 All. (PM2 - Moderate) | 6 variants within 6 amino acid positions of the variant p.Ala443Val have been shown to be pathogenic, while none have been shown to be benign. (PM1 - Moderate) | The p.Ala443Val variant is predicted to introduce a novel donor splice site at this position by all splice site algorithms, but is not expected to disrupt the reading frame. The p.Ala443Val missense variant is predicted to be damaging by both SIFT and PolyPhen2. (PP3 - Supporting) | Functional studies demonstrate that this variant has a damaging effect on the gene or gene product (PS3_Supporting - Supporting) | The variant is observed in trans (in a compound heterozygous state) with another pathogenic variant. (PM3 - Moderate) | The patient's phenotype or family history is highly specific for a disease with a single genetic etiology. (PP4 - Supporting)

Baylor Genetics
Classification: Likely pathogenic for Adult hypophosphatasia. Last evaluated: 2023-10-11. Review status: criteria provided, single submitter. Criteria: ACMG Guidelines, 2015. Collection method: clinical testing. Allele origin: unknown.

GeneDx
Classification: Likely pathogenic. Last evaluated: 2023-05-19. Review status: criteria provided, single submitter. Criteria: GeneDx Variant Classification Process June 2021. Collection method: clinical testing. Allele origin: germline. Affected: yes.
Comment: Published functional studies demonstrate this variant is associated with reduced alkaline phosphatase activity, though no dominant negative effect was observed (Fauvert et al., 2009; Del Angel G et al., 2020); Identified in individuals with adult onset HPP who did not have a second variant identified in ALPL (Taillandier A et al., 2017; Zouwail S et al., 2019); Not observed at significant frequency in large population cohorts (gnomAD); In silico analysis supports that this missense variant does not alter protein structure/function; This variant is associated with the following publications: (PMID: 19500388, 32160374, 34662886, 30249491, 29236161, 31088113)

Women's Health and Genetics/Laboratory Corporation of America, LabCorp
Classification: Pathogenic for Hypophosphatasia. Last evaluated: 2022-12-24. Review status: criteria provided, single submitter. Criteria: LabCorp Variant Classification Summary - May 2015. Collection method: clinical testing. Allele origin: germline.
Comment: Variant summary: ALPL c.1328C>T (p.Ala443Val) results in a non-conservative amino acid change in the encoded protein sequence. Four of five in-silico tools predict a damaging effect of the variant on protein function. The variant allele was found at a frequency of 4.1e-06 in 245870 control chromosomes. c.1328C>T has been reported in the literature as a compound heterozygous genotype in multiple individuals affected with perinatal lethal/odonto/infantile/severe childhood forms of Hypophosphatasia (example, PMID: 32160374, 25731960, 30249491). These data indicate that the variant is likely to be associated with disease. At least one publication reports experimental evidence evaluating an impact on protein function (example, 32160374). The most pronounced variant effect results in <10% of normal low tissue nonspecific alkaline phosphatase (TNSALP) activity. Two clinical diagnostic laboratories have submitted clinical-significance assessments for this variant to ClinVar after 2014 without evidence for independent evaluation. All laboratories classified the variant as pathogenic/likely pathogenic. Based on the evidence outlined above, the variant was classified as pathogenic.